The following is an entry in ClinVar:

ClinVar aggregate classification (germline): Uncertain significance (1 of 4 stars; one submission).

Submission:

Ambry Genetics
Classification: Uncertain significance. Last evaluated: 2025-10-26. Review status: criteria provided, single submitter. Criteria: Ambry Variant Classification Scheme 2023. Collection method: clinical testing. Allele origin: germline.
Comment: The p.R618T variant (also known as c.1853G>C), located in coding exon 18 of the KIF1B gene, results from a G to C substitution at nucleotide position 1853. The arginine at codon 618 is replaced by threonine, an amino acid with similar properties. This amino acid position is conserved. In addition, the in silico prediction for this alteration is inconclusive. Based on the available evidence, the clinical significance of this variant remains unclear.

NM_001365951.3(KIF1B):c.1991G>C (p.Arg664Thr)

Gene: KIF1B (kinesin family member 1B; plus strand). Cytogenetic location: 1p36.22.
Variant type: single nucleotide variant.
Coding change: c.1991G>C on transcript NM_001365951.3 (MANE Select); coding-DNA position 1991, G replaced by C.
Protein change: p.Arg664Thr; replaces arginine 664 with threonine.
Molecular consequence: missense variant.
Genome position (GRCh38, 1-based): chr1:10,297,026, G>C. VCF-style: chr1-10297026-G-C. GRCh37 (hg19) VCF-style: chr1-10357084-G-C.
Other names: c.1991G>C, p.Arg664Thr (NM_001365952.1); c.1853G>C, p.Arg618Thr (NM_001365953.1, NM_015074.3, NM_183416.4); short protein forms R618T, R664T.
Identifiers: ClinVar variation 4543654 (VCV004543654.1).